The following is an entry in ClinVar:

ClinVar aggregate classification (germline): Conflicting classifications of pathogenicity. Review status: criteria provided, conflicting classifications (1 of 4 stars). 2 submissions from 2 submitters: Uncertain significance (1); Likely benign (1). Last evaluated 2024-08-28.

Conditions:
Hereditary cancer-predisposing syndrome. Also called: Neoplastic Syndromes, Hereditary; Tumor predisposition; Hereditary Cancer Syndrome; Hereditary neoplastic syndrome. Identifiers: Orphanet 140162, MedGen C0027672, MeSH D009386, MONDO:0015356.
Hereditary breast ovarian cancer syndrome. Also called: Hereditary breast and ovarian cancer syndrome; Hereditary breast and ovarian cancer; Breast and ovarian cancer; Hereditary breast and ovarian cancer syndrome (HBOC); Hereditary breast and/or ovarian cancer syndrome; BRCA1- and BRCA2-Associated Hereditary Breast and Ovarian Cancer. Identifiers: Orphanet 145, MedGen C0677776, MeSH D061325, MONDO:0003582. Disease mechanism: loss of function.

Submissions (2):

Labcorp Genetics (formerly Invitae), Labcorp
Classification: Uncertain significance for Hereditary breast ovarian cancer syndrome. Last evaluated: 2024-08-28. Review status: criteria provided, single submitter. Criteria: Invitae Variant Classification Sherloc (09022015). Collection method: clinical testing. Allele origin: germline.
Comment: This sequence change affects codon 1126 of the BRCA1 mRNA. It is a 'silent' change, meaning that it does not change the encoded amino acid sequence of the BRCA1 protein. This variant is not present in population databases (gnomAD no frequency). This variant has not been reported in the literature in individuals affected with BRCA1-related conditions. ClinVar contains an entry for this variant (Variation ID: 1730782). Algorithms developed to predict the effect of sequence changes on RNA splicing suggest that this variant may create or strengthen a splice site. In summary, the available evidence is currently insufficient to determine the role of this variant in disease. Therefore, it has been classified as a Variant of Uncertain Significance.

Ambry Genetics
Classification: Likely benign for Hereditary cancer-predisposing syndrome. Last evaluated: 2019-06-19. Review status: criteria provided, single submitter. Criteria: Ambry Variant Classification Scheme 2023. Collection method: clinical testing. Allele origin: germline.

NM_007294.4(BRCA1):c.3378A>T (p.Pro1126=)

Genes: BRCA1 (BRCA1 DNA repair associated; minus strand), LOC126862571 (BRD4-independent group 4 enhancer GRCh37_chr17:41243136-41244335; plus strand). Cytogenetic location: 17q21.31.
Variant type: single nucleotide variant.
Coding change: c.3378A>T on transcript NM_007294.4 (MANE Select); coding-DNA position 3378, A replaced by T.
Protein change: p.Pro1126=; no amino-acid change (proline 1126 retained).
Molecular consequence: synonymous variant. On other transcripts: intron variant (137).
Genome position (GRCh38, 1-based): chr17:43,092,153, T>A on the plus strand (A>T on the coding strand, the complement: BRCA1 is on the minus strand). VCF-style: chr17-43092153-T-A. GRCh37 (hg19) VCF-style: chr17-41244170-T-A.
Other names: c.3165A>T, p.Pro1055= (NM_001407895.1, NM_001407896.1, NM_001407897.1 and 9 more transcripts); c.3168A>T, p.Pro1056= (NM_001407900.1, NM_001407902.1, NM_001407904.1 and 13 more transcripts); c.3255A>T, p.Pro1085= (NM_001407919.1, NM_001407937.1, NM_001407938.1 and 19 more transcripts); c.3114A>T, p.Pro1038= (NM_001407920.1, NM_001407921.1, NM_001407922.1 and 9 more transcripts); c.3111A>T, p.Pro1037= (NM_001407930.1, NM_001407931.1, NM_001407932.1 and 2 more transcripts); c.3252A>T, p.Pro1084= (NM_001407940.1, NM_001407941.1, NM_001407649.1 and 11 more transcripts); c.3237A>T, p.Pro1079= (NM_001407942.1, NM_001407944.1, NM_001407945.1 and 29 more transcripts); c.3234A>T, p.Pro1078= (NM_001407943.1, NM_001407964.1, NM_001407740.1 and 20 more transcripts); and 41 more.
Identifiers: ClinVar variation 1730782 (VCV001730782.4), dbSNP rs1057521325, ClinGen allele CA500232577.